The following is an entry in ClinVar:

ClinVar aggregate classification (germline): Uncertain significance (1 of 4 stars; one submission).

Conditions:
Familial focal epilepsy with variable foci (FPEVF). Identifiers: Orphanet 98820, MedGen C1858477, MONDO:0020310.

Allele frequency attached by ClinVar (database versions not stated): gnomAD exomes 0.00002.
gnomAD v4.1: 23 of 1,612,726 alleles (0.0014%); highest among the groups gnomAD compares: Non-Finnish European, 0.0019%; no homozygotes.

Submission:

Labcorp Genetics (formerly Invitae), Labcorp
Classification: Uncertain significance for Familial focal epilepsy with variable foci. Last evaluated: 2022-09-03. Review status: criteria provided, single submitter. Criteria: Invitae Variant Classification Sherloc (09022015). Collection method: clinical testing. Allele origin: germline.
Comment: In summary, the available evidence is currently insufficient to determine the role of this variant in disease. Therefore, it has been classified as a Variant of Uncertain Significance. Algorithms developed to predict the effect of missense changes on protein structure and function are either unavailable or do not agree on the potential impact of this missense change (SIFT: "Tolerated"; PolyPhen-2: "Not Available"; Align-GVGD: "Class C0"). This variant has not been reported in the literature in individuals affected with DEPDC5-related conditions. This variant is not present in population databases (gnomAD no frequency). This sequence change replaces isoleucine, which is neutral and non-polar, with methionine, which is neutral and non-polar, at codon 1221 of the DEPDC5 protein (p.Ile1221Met).

NM_001242896.3(DEPDC5):c.3663C>G (p.Ile1221Met)

Gene: DEPDC5 (DEP domain containing 5, GATOR1 subcomplex subunit; plus strand). Cytogenetic location: 22q12.3.
Variant type: single nucleotide variant.
Coding change: c.3663C>G on transcript NM_001242896.3 (MANE Select); coding-DNA position 3663, C replaced by G.
Protein change: p.Ile1221Met; replaces isoleucine 1221 with methionine.
Molecular consequence: missense variant. On other transcripts: non-coding transcript variant (4).
Genome position (GRCh38, 1-based): chr22:31,874,372, C>G. VCF-style: chr22-31874372-C-G. GRCh37 (hg19) VCF-style: chr22-32270358-C-G.
Other names: c.3636C>G, p.Ile1212Met (NM_001136029.4); c.3363C>G, p.Ile1121Met (NM_001242897.2); c.3597C>G, p.Ile1199Met (NM_001363852.2, NM_001364320.2); c.3429C>G, p.Ile1143Met (NM_001363854.2, NM_001364319.2); c.3663C>G, p.Ile1221Met (NM_001364318.2); c.3579C>G, p.Ile1193Met (NM_001369901.1, NM_001369902.1); c.3570C>G, p.Ile1190Met (NM_001369903.1, NM_014662.6); short protein forms I1121M, I1143M, I1190M, I1193M, I1199M, I1212M, I1221M.
Identifiers: ClinVar variation 1718772 (VCV001718772.5), dbSNP rs2522419024, ClinGen allele CA411278099.